The following is an entry in ClinVar:

NM_006516.4(SLC2A1):c.460G>T (p.Gly154Trp)

Gene: SLC2A1 (solute carrier family 2 member 1; minus strand). Cytogenetic location: 1p34.2.
Variant type: single nucleotide variant.
Coding change: c.460G>T on transcript NM_006516.4 (MANE Select); coding-DNA position 460, G replaced by T.
Protein change: p.Gly154Trp; replaces glycine 154 with tryptophan.
Molecular consequence: missense variant.
Genome position (GRCh38, 1-based): chr1:42,930,682, C>A on the plus strand (G>T on the coding strand, the complement: SLC2A1 is on the minus strand). VCF-style: chr1-42930682-C-A. GRCh37 (hg19) VCF-style: chr1-43396353-C-A.
Other names: short protein forms G154W.
Identifiers: ClinVar variation 3633554 (VCV003633554.2).
Genomic context (GRCh38, chr1:42,930,682, plus strand): 5'-TTACCTGGGCGATGAGGATGCCGACGACGATGCCCAGCTGGTGCAGGGTGCCCAGGGCCC[C>A]ACGAAGGGCTGTGGGTGACACTTCACCCACATACATGGGCACGAAGCCTGTGGTCAGGCC-3'
Protein context (NP_006507.2, residues 144-164): VGEVSPTALR[Gly154Trp]ALGTLHQLGI

ClinVar aggregate classification (germline): Uncertain significance (1 of 4 stars; one submission).

Conditions:
GLUT1 deficiency syndrome 1, autosomal recessive. Identifiers: MedGen C3149117.

Submission:

Labcorp Genetics (formerly Invitae), Labcorp
Classification: Uncertain significance for GLUT1 deficiency syndrome 1, autosomal recessive. Last evaluated: 2024-06-26. Review status: criteria provided, single submitter. Criteria: Invitae Variant Classification Sherloc (09022015). Collection method: clinical testing. Allele origin: germline.
Comment: This sequence change replaces glycine, which is neutral and non-polar, with tryptophan, which is neutral and slightly polar, at codon 154 of the SLC2A1 protein (p.Gly154Trp). This variant is not present in population databases (gnomAD no frequency). This variant has not been reported in the literature in individuals affected with SLC2A1-related conditions. Advanced modeling of protein sequence and biophysical properties (such as structural, functional, and spatial information, amino acid conservation, physicochemical variation, residue mobility, and thermodynamic stability) performed at Invitae indicates that this missense variant is expected to disrupt SLC2A1 protein function with a positive predictive value of 95%. In summary, the available evidence is currently insufficient to determine the role of this variant in disease. Therefore, it has been classified as a Variant of Uncertain Significance.